The following is an entry in ClinVar:

ClinVar aggregate classification (germline): Uncertain significance (1 of 4 stars; one submission).

Conditions:
Renal carnitine transport defect (CDSP). Also called: Systemic primary carnitine deficiency; CARNITINE DEFICIENCY, SYSTEMIC, DUE TO DEFECT IN RENAL REABSORPTION OF CARNITINE; CARNITINE TRANSPORTER, PLASMA-MEMBRANE, DEFICIENCY OF; CARNITINE UPTAKE DEFECT; Primary carnitine deficiency; Carnitine transporter deficiency. Identifiers: Orphanet 158, MedGen C0342788, MONDO:0008919, OMIM 212140.

Allele frequency attached by ClinVar (database versions not stated): TOPMed 0.00001; gnomAD 0.00003.

Submission:

Labcorp Genetics (formerly Invitae), Labcorp
Classification: Uncertain significance for Renal carnitine transport defect. Last evaluated: 2021-12-29. Review status: criteria provided, single submitter. Criteria: Invitae Variant Classification Sherloc (09022015). Collection method: clinical testing. Allele origin: germline.
Comment: This sequence change replaces threonine, which is neutral and polar, with alanine, which is neutral and non-polar, at codon 66 of the SLC22A5 protein (p.Thr66Ala). This variant is present in population databases (no rsID available, gnomAD 0.002%). This variant has not been reported in the literature in individuals affected with SLC22A5-related conditions. Advanced modeling of protein sequence and biophysical properties (such as structural, functional, and spatial information, amino acid conservation, physicochemical variation, residue mobility, and thermodynamic stability) performed at Invitae indicates that this missense variant is not expected to disrupt SLC22A5 protein function. In summary, the available evidence is currently insufficient to determine the role of this variant in disease. Therefore, it has been classified as a Variant of Uncertain Significance.

NM_003060.4(SLC22A5):c.196A>G (p.Thr66Ala)

Gene: SLC22A5 (solute carrier family 22 member 5; plus strand). Cytogenetic location: 5q31.1.
Variant type: single nucleotide variant.
Coding change: c.196A>G on transcript NM_003060.4 (MANE Select); coding-DNA position 196, A replaced by G.
Protein change: p.Thr66Ala; replaces threonine 66 with alanine.
Molecular consequence: missense variant.
Genome position (GRCh38, 1-based): chr5:132,370,168, A>G. VCF-style: chr5-132370168-A-G. GRCh37 (hg19) VCF-style: chr5-131705860-A-G.
Other names: c.196A>G, p.Thr66Ala (NM_001308122.2); short protein forms T66A.
Identifiers: ClinVar variation 2158248 (VCV002158248.1), dbSNP rs1476076948, ClinGen allele CA360802573.
Genomic context (GRCh38, chr5:132,370,168, plus strand): 5'-CCGGAGCACCGCTGCCGGGTGCCGGACGCCGCGAACCTGAGCAGCGCCTGGCGCAACCAC[A>G]CTGTCCCACTGCGGCTGCGGGACGGCCGCGAGGTGCCCCACAGCTGCCGCCGCTACCGGC-3'
Protein context (NP_003051.1, residues 56-76): ANLSSAWRNH[Thr66Ala]VPLRLRDGRE